The following is an entry in ClinVar:

ClinVar aggregate classification (germline): Uncertain significance. Review status: reviewed by expert panel (3 of 4 stars). 4 submissions from 4 submitters: Uncertain significance (1). 3 of the submissions do not count toward it. Last evaluated 2025-11-11.

Conditions:
ATM-related cancer predisposition. Also called: ATM-related cancer susceptibility. Identifiers: MedGen CN377759, MONDO:0700270.
Ataxia-telangiectasia syndrome (AT). Also called: LOUIS-BAR SYNDROME; Cerebello-oculocutaneous telangiectasia; Immunodeficiency with ataxia telangiectasia; Ataxia telangiectasia (A-T); Ataxia-telangiectasia, complementation group D; AT, COMPLEMENTATION GROUP C. Identifiers: Orphanet 100, MedGen C0004135, MONDO:0008840, OMIM 208900.

Submissions (4):

ClinGen Hereditary Breast, Ovarian and Pancreatic Cancer Variant Curation Expert Panel, ClinGen
Classification: Uncertain significance for ATM-related cancer predisposition. Last evaluated: 2025-11-11. Review status: reviewed by expert panel. Criteria: ClinGen HBOP ACMG Specifications ATM V1.3.0. Collection method: curation. Allele origin: germline. Inheritance: Autosomal dominant inheritance.
Comment: The c.8732C>A variant in ATM is a missense variant predicted to cause substitution of threonine by asparagine at amino acid 2911 (p.Thr2911Asn). This individual was homozygous for the variant; however, the information provided was not sufficient to meet the HBOP VCEP requirements for phenotyping as the diagnosis was based on biallelic variants (PMID: 38917355). This variant is absent from gnomAD v4.1.0. The computational predictor REVEL gives a score of 0.756, which is above the threshold of 0.7333, evidence that correlates with impact to ATM function. In summary, this variant meets the criteria to be classified as a variant of uncertain significance for autosomal dominant ATM-related cancer predisposition and autosomal recessive Ataxia-Telangiectasia based on the ACMG/AMP criteria applied as specified by the HBOP VCEP. (PM2_Supporting, PP3)

Labcorp Genetics (formerly Invitae), Labcorp
Classification: Uncertain significance for Ataxia-telangiectasia syndrome. Last evaluated: 2025-09-28. Review status: criteria provided, single submitter. Criteria: Invitae Variant Classification Sherloc (09022015). Collection method: clinical testing. Allele origin: germline. Not counted in ClinVar's aggregate classification.
Comment: This sequence change replaces threonine, which is neutral and polar, with asparagine, which is neutral and polar, at codon 2911 of the ATM protein (p.Thr2911Asn). This variant is not present in population databases (gnomAD no frequency). This variant has not been reported in the literature in individuals affected with ATM-related conditions. ClinVar contains an entry for this variant (Variation ID: 2688626). Invitae Evidence Modeling of protein sequence and biophysical properties (such as structural, functional, and spatial information, amino acid conservation, physicochemical variation, residue mobility, and thermodynamic stability) has been performed for this missense variant. However, the output from this modeling did not meet the statistical confidence thresholds required to predict the impact of this variant on ATM protein function. In summary, the available evidence is currently insufficient to determine the role of this variant in disease. Therefore, it has been classified as a Variant of Uncertain Significance.

Genomic Medicine Center of Excellence, King Faisal Specialist Hospital and Research Centre
Classification: Likely pathogenic for Ataxia-telangiectasia syndrome. Last evaluated: 2024-03-29. Review status: criteria provided, single submitter. Criteria: ACMG Guidelines, 2015. Collection method: clinical testing. Allele origin: germline. Not counted in ClinVar's aggregate classification.

Revvity Omics, Revvity
Classification: Uncertain significance for Ataxia-telangiectasia syndrome. Last evaluated: 2023-07-25. Review status: criteria provided, single submitter. Criteria: ACMG Guidelines, 2015. Collection method: clinical testing. Allele origin: germline. Not counted in ClinVar's aggregate classification.

NM_000051.4(ATM):c.8732C>A (p.Thr2911Asn)

Genes: ATM (ATM serine/threonine kinase; plus strand), C11orf65 (chromosome 11 open reading frame 65; minus strand). Cytogenetic location: 11q22.3.
Variant type: single nucleotide variant.
Coding change: c.8732C>A on transcript NM_000051.4 (MANE Select); coding-DNA position 8732, C replaced by A.
Protein change: p.Thr2911Asn; replaces threonine 2911 with asparagine.
Molecular consequence: missense variant. On other transcripts: intron variant (2).
Genome position (GRCh38, 1-based): chr11:108,353,826, C>A. VCF-style: chr11-108353826-C-A. GRCh37 (hg19) VCF-style: chr11-108224553-C-A.
Other names: NM_000051.4(ATM):c.8732C>A; p.Thr2911Asn; c.8732C>A, p.Thr2911Asn (NM_001351834.2); c.640+32094G>T (NM_001330368.2); c.695-18534G>T (NM_001351110.2); short protein forms T2911N.
Identifiers: ClinVar variation 2688626 (VCV002688626.3), dbSNP rs794728018, ClinGen allele CA382523925.